The following is an entry in ClinVar:

ClinVar aggregate classification (germline): Uncertain significance (1 of 4 stars; one submission).

Conditions:
Ehlers-Danlos syndrome, classic type, 1 (EDSCL1). Also called: EHLERS-DANLOS SYNDROME, GRAVIS TYPE; EHLERS-DANLOS SYNDROME, SEVERE CLASSIC TYPE; Ehlers-Danlos syndrome, type 1; Ehlers-Danlos Syndrome, Classic Type, COL5A1-Related; EDS I. Identifiers: MedGen C0268335, MONDO:0019567, OMIM 130000.

Submission:

Labcorp Genetics (formerly Invitae), Labcorp
Classification: Uncertain significance for Ehlers-Danlos syndrome, classic type, 1. Last evaluated: 2026-01-18. Review status: criteria provided, single submitter. Criteria: Invitae Variant Classification Sherloc (09022015). Collection method: clinical testing. Allele origin: germline.
Comment: This sequence change replaces proline, which is neutral and non-polar, with serine, which is neutral and polar, at codon 419 of the COL5A1 protein (p.Pro419Ser). This variant is not present in population databases (gnomAD no frequency). This variant has not been reported in the literature in individuals affected with COL5A1-related conditions. Invitae Evidence Modeling of protein sequence and biophysical properties (such as structural, functional, and spatial information, amino acid conservation, physicochemical variation, residue mobility, and thermodynamic stability) indicates that this missense variant is not expected to disrupt COL5A1 protein function with a negative predictive value of 95%. In summary, the available evidence is currently insufficient to determine the role of this variant in disease. Therefore, it has been classified as a Variant of Uncertain Significance.

NM_000093.5(COL5A1):c.1255C>T (p.Pro419Ser)

Gene: COL5A1 (collagen type V alpha 1 chain; plus strand). Cytogenetic location: 9q34.3.
Variant type: single nucleotide variant.
Coding change: c.1255C>T on transcript NM_000093.5 (MANE Select); coding-DNA position 1255, C replaced by T.
Protein change: p.Pro419Ser; replaces proline 419 with serine.
Molecular consequence: missense variant.
Genome position (GRCh38, 1-based): chr9:134,731,586, C>T. VCF-style: chr9-134731586-C-T. GRCh37 (hg19) VCF-style: chr9-137623432-C-T.
Other names: c.1255C>T, p.Pro419Ser (NM_001278074.1); short protein forms P419S.
Identifiers: ClinVar variation 4776330 (VCV004776330.1).